The following is an entry in ClinVar:

NM_020964.3(EPG5):c.2162G>A (p.Trp721Ter)

Gene: EPG5 (ectopic P-granules 5 autophagy tethering factor; minus strand). Cytogenetic location: 18q21.1.
Variant type: single nucleotide variant.
Coding change: c.2162G>A on transcript NM_020964.3 (MANE Select); coding-DNA position 2162, G replaced by A.
Protein change: p.Trp721Ter; replaces tryptophan 721 with a stop codon.
Molecular consequence: nonsense.
Genome position (GRCh38, 1-based): chr18:45,934,904, C>T on the plus strand (G>A on the coding strand, the complement: EPG5 is on the minus strand). VCF-style: chr18-45934904-C-T. GRCh37 (hg19) VCF-style: chr18-43514870-C-T.
Other names: c.2162G>A, p.Trp721Ter (LRG_1234t1); short protein forms W721*.
Identifiers: ClinVar variation 620404 (VCV000620404.3), dbSNP rs1568168835, ClinGen allele CA402347719.

ClinVar aggregate classification (germline): Likely pathogenic (1 of 4 stars; one submission).

Submission:

GeneDx
Classification: Likely pathogenic. Last evaluated: 2020-02-27. Review status: criteria provided, single submitter. Criteria: GeneDx Variant Classification Process June 2021. Collection method: clinical testing. Allele origin: germline. Affected: yes.
Comment: Has not been previously published as pathogenic or benign to our knowledge; Nonsense variant predicted to result in protein truncation or nonsense mediated decay in a gene for which loss-of-function is a known mechanism of disease; Not observed in large population cohorts (Lek et al., 2016)